The following is an entry in ClinVar:

ClinVar aggregate classification (germline): Likely pathogenic (1 of 4 stars; one submission).

Conditions:
Combined oxidative phosphorylation deficiency. Identifiers: MedGen C4540031, MONDO:0000732.
Charcot-Marie-Tooth Neuropathy X. Identifiers: MedGen CN118851.

Submission:

Labcorp Genetics (formerly Invitae), Labcorp
Classification: Likely pathogenic for Charcot-Marie-Tooth Neuropathy X; Combined oxidative phosphorylation deficiency. Last evaluated: 2023-07-28. Review status: criteria provided, single submitter. Criteria: Invitae Variant Classification Sherloc (09022015). Collection method: clinical testing. Allele origin: germline.
Comment: This sequence change replaces glycine, which is neutral and non-polar, with serine, which is neutral and polar, at codon 399 of the AIFM1 protein (p.Gly399Ser). In summary, the currently available evidence indicates that the variant is pathogenic, but additional data are needed to prove that conclusively. Therefore, this variant has been classified as Likely Pathogenic. Advanced modeling of protein sequence and biophysical properties (such as structural, functional, and spatial information, amino acid conservation, physicochemical variation, residue mobility, and thermodynamic stability) performed at Invitae indicates that this missense variant is expected to disrupt AIFM1 protein function. This missense change has been observed in individual(s) with clinical features of AIFM1-related conditions (PMID: 32337346). It has also been observed to segregate with disease in related individuals. This variant is not present in population databases (gnomAD no frequency).

Literature cited by the submitters: PubMed 32337346.

NM_004208.4(AIFM1):c.1195G>A (p.Gly399Ser)

Genes: AIFM1 (apoptosis inducing factor mitochondria associated 1; minus strand), RAB33A (RAB33A, member RAS oncogene family; plus strand). Cytogenetic location: Xq26.1.
Variant type: single nucleotide variant.
Coding change: c.1195G>A on transcript NM_004208.4 (MANE Select); coding-DNA position 1195, G replaced by A.
Protein change: p.Gly399Ser; replaces glycine 399 with serine.
Molecular consequence: missense variant. On other transcripts: 3 prime UTR variant (1), non-coding transcript variant (1).
Genome position (GRCh38, 1-based): chrX:130,136,155, C>T on the plus strand (G>A on the coding strand, the complement: AIFM1 is on the minus strand). VCF-style: chrX-130136155-C-T. GRCh37 (hg19) VCF-style: chrX-129270130-C-T.
Other names: c.178G>A, p.Gly60Ser (NM_001130846.4); c.*423G>A (NM_001130847.4); c.1183G>A, p.Gly395Ser (NM_145812.3); short protein forms G60S, G399S, G395S.
Identifiers: ClinVar variation 2933356 (VCV002933356.3), dbSNP rs2523117559, ClinGen allele CA414575506.